The following is an entry in ClinVar:

NM_001371623.1(TCOF1):c.3642A>G (p.Pro1214=)

Gene: TCOF1 (treacle ribosome biogenesis factor 1; plus strand). Cytogenetic location: 5q32.
Variant type: single nucleotide variant.
Coding change: c.3642A>G on transcript NM_001371623.1 (MANE Select); coding-DNA position 3642, A replaced by G.
Protein change: p.Pro1214=; no amino-acid change (proline 1214 retained).
Molecular consequence: synonymous variant.
Genome position (GRCh38, 1-based): chr5:150,393,410, A>G. VCF-style: chr5-150393410-A-G. GRCh37 (hg19) VCF-style: chr5-149772973-A-G.
Other names: c.3408A>G, p.Pro1136= (NM_000356.4, NM_001437406.1); c.3639A>G, p.Pro1213= (NM_001135243.2); c.3528A>G, p.Pro1176= (NM_001135244.2); c.3411A>G, p.Pro1137= (NM_001135245.2); c.3525A>G, p.Pro1175= (NM_001195141.2).
Identifiers: ClinVar variation 4988574 (VCV004988574.1).

ClinVar aggregate classification (germline): Likely benign (1 of 4 stars; one submission).

Conditions:
TCOF1-related disorder. Also called: TCOF1-related condition.

gnomAD v4.1: 4 of 1,614,112 alleles (0.00025%); highest among the groups gnomAD compares: East Asian, 0.0045%; no homozygotes.

Submission:

PreventionGenetics, part of Exact Sciences
Classification: Likely benign for TCOF1-related condition. Last evaluated: 2026-07-28. Review status: criteria provided, single submitter. Criteria: ACMG Guidelines, 2015. Collection method: clinical testing. Allele origin: germline.
Comment: This variant is classified as likely benign based on ACMG/AMP sequence variant interpretation guidelines (Richards et al. 2015 PMID: 25741868, with internal and published modifications).